The following is an entry in ClinVar:

NM_000666.3(ACY1):c.106G>T (p.Ala36Ser)

Genes: ABHD14A-ACY1 (ABHD14A-ACY1 readthrough; plus strand), ACY1 (aminoacylase 1; plus strand). Cytogenetic location: 3p21.2.
Variant type: single nucleotide variant.
Coding change: c.106G>T on transcript NM_000666.3 (MANE Select); coding-DNA position 106, G replaced by T.
Protein change: p.Ala36Ser; replaces alanine 36 with serine.
Molecular consequence: missense variant. On other transcripts: intron variant (1).
Genome position (GRCh38, 1-based): chr3:51,985,218, G>T. VCF-style: chr3-51985218-G-T. GRCh37 (hg19) VCF-style: chr3-52019234-G-T.
Other names: c.376G>T, p.Ala126Ser (NM_001316331.2); c.106G>T, p.Ala36Ser (NM_001198895.2, NM_001198896.2, NM_001198897.2); c.95-183G>T (NM_001198898.2); short protein forms A126S, A36S.
Identifiers: ClinVar variation 1937256 (VCV001937256.5), dbSNP rs763119432, ClinGen allele CA74715561.

ClinVar aggregate classification (germline): Uncertain significance (1 of 4 stars; one submission).

Allele frequency attached by ClinVar (database versions not stated): gnomAD exomes 0.00001; TOPMed 0.00001.
gnomAD v4.1: 3 of 1,604,354 alleles (0.00019%); highest among the groups gnomAD compares: Admixed American, 0.0017%; no homozygotes.

Submission:

Labcorp Genetics (formerly Invitae), Labcorp
Classification: Uncertain significance. Last evaluated: 2024-10-15. Review status: criteria provided, single submitter. Criteria: Invitae Variant Classification Sherloc (09022015). Collection method: clinical testing. Allele origin: germline.
Comment: This sequence change replaces alanine, which is neutral and non-polar, with serine, which is neutral and polar, at codon 36 of the ACY1 protein (p.Ala36Ser). The frequency data for this variant in the population databases is considered unreliable, as metrics indicate poor data quality at this position in the gnomAD database. This variant has not been reported in the literature in individuals affected with ACY1-related conditions. ClinVar contains an entry for this variant (Variation ID: 1937256). Invitae Evidence Modeling of protein sequence and biophysical properties (such as structural, functional, and spatial information, amino acid conservation, physicochemical variation, residue mobility, and thermodynamic stability) indicates that this missense variant is not expected to disrupt ACY1 protein function with a negative predictive value of 80%. In summary, the available evidence is currently insufficient to determine the role of this variant in disease. Therefore, it has been classified as a Variant of Uncertain Significance.